The following is an entry in ClinVar:

ClinVar aggregate classification (germline): Uncertain significance (1 of 4 stars; one submission).

Allele frequency attached by ClinVar (database versions not stated): gnomAD exomes below 0.00001; gnomAD 0.00001.
gnomAD v4.1: 2 of 1,612,722 alleles (0.00012%); highest among the groups gnomAD compares: Non-Finnish European, 0.00017%; no homozygotes.

Submission:

Ambry Genetics
Classification: Uncertain significance. Last evaluated: 2023-04-11. Review status: criteria provided, single submitter. Criteria: Ambry Variant Classification Scheme 2023. Collection method: clinical testing. Allele origin: germline.
Comment: The p.L18S variant (also known as c.53T>C), located in coding exon 1 of the ALPK2 gene, results from a T to C substitution at nucleotide position 53. The leucine at codon 18 is replaced by serine, an amino acid with dissimilar properties. This amino acid position is conserved. In addition, this alteration is predicted to be tolerated by in silico analysis. Since supporting evidence is limited at this time, the clinical significance of this alteration remains unclear.

NM_052947.4(ALPK2):c.53T>C (p.Leu18Ser)

Gene: ALPK2 (alpha kinase 2; minus strand). Cytogenetic location: 18q21.32.
Variant type: single nucleotide variant.
Coding change: c.53T>C on transcript NM_052947.4 (MANE Select); coding-DNA position 53, T replaced by C.
Protein change: p.Leu18Ser; replaces leucine 18 with serine.
Molecular consequence: missense variant.
Genome position (GRCh38, 1-based): chr18:58,611,745, A>G on the plus strand (T>C on the coding strand, the complement: ALPK2 is on the minus strand). VCF-style: chr18-58611745-A-G. GRCh37 (hg19) VCF-style: chr18-56278977-A-G.
Other names: short protein forms L18S.
Identifiers: ClinVar variation 2560598 (VCV002560598.2), dbSNP rs1241782359, ClinGen allele CA402558072.